The following is an entry in ClinVar:

NM_001173467.3(SP7):c.1085G>A (p.Arg362His)

Gene: SP7 (Sp7 transcription factor; minus strand). Cytogenetic location: 12q13.13.
Variant type: single nucleotide variant.
Coding change: c.1085G>A on transcript NM_001173467.3 (MANE Select); coding-DNA position 1085, G replaced by A.
Protein change: p.Arg362His; replaces arginine 362 with histidine.
Molecular consequence: missense variant.
Genome position (GRCh38, 1-based): chr12:53,328,357, C>T on the plus strand (G>A on the coding strand, the complement: SP7 is on the minus strand). VCF-style: chr12-53328357-C-T. GRCh37 (hg19) VCF-style: chr12-53722141-C-T.
Other names: c.1031G>A, p.Arg344His (NM_001300837.2); c.1085G>A, p.Arg362His (NM_152860.2); c.1085G>A (NM_001173467.1); short protein forms R344H, R362H.
Identifiers: ClinVar variation 1369315 (VCV001369315.8), dbSNP rs200422616, ClinGen allele CA6599464.

ClinVar aggregate classification (germline): Uncertain significance. Review status: criteria provided, multiple submitters, no conflicts (2 of 4 stars). 3 submissions from 3 submitters: Uncertain significance (3). Last evaluated 2026-04-13.

Allele frequency attached by ClinVar (database versions not stated): ExAC 0.00005; gnomAD exomes 0.00008 and 0.00020; gnomAD 0.00011 and 0.00012; TOPMed 0.00011; 1000 Genomes Project 30x 0.00016.
gnomAD v4.1: 310 of 1,612,734 alleles (0.019%); highest among the groups gnomAD compares: Non-Finnish European, 0.024%; no homozygotes.

Submissions (3):

Women's Health and Genetics/Laboratory Corporation of America, LabCorp
Classification: Uncertain significance. Last evaluated: 2026-04-13. Review status: criteria provided, single submitter. Criteria: LabCorp Variant Classification Summary - May 2015. Collection method: clinical testing. Allele origin: germline.
Comment: Variant summary: SP7 c.1085G>A (p.Arg362His) results in a non-conservative amino acid change in the encoded protein sequence. Algorithms developed to predict the effect of missense changes on protein structure and function are either unavailable or do not agree on the potential impact of this missense change. The variant allele was found at a frequency of 8e-05 in 248544 control chromosomes. This frequency is not significantly higher than estimated for disease-causing variants in SP7, allowing no conclusion about variant significance. To our knowledge, no occurrence of c.1085G>A in individuals affected with SP7-related conditions and no experimental evidence demonstrating its impact on protein function have been reported. ClinVar contains an entry for this variant (Variation ID: 1369315). Based on the evidence outlined above, the variant was classified as uncertain significance.

Ambry Genetics
Classification: Uncertain significance. Last evaluated: 2024-05-15. Review status: criteria provided, single submitter. Criteria: Ambry Variant Classification Scheme 2023. Collection method: clinical testing. Allele origin: germline.

Labcorp Genetics (formerly Invitae), Labcorp
Classification: Uncertain significance. Last evaluated: 2021-08-30. Review status: criteria provided, single submitter. Criteria: Invitae Variant Classification Sherloc (09022015). Collection method: clinical testing. Allele origin: germline.
Comment: This sequence change replaces arginine with histidine at codon 362 of the SP7 protein (p.Arg362His). The arginine residue is highly conserved and there is a small physicochemical difference between arginine and histidine. This variant is present in population databases (rs200422616, ExAC 0.009%). This variant has not been reported in the literature in individuals affected with SP7-related conditions. Algorithms developed to predict the effect of missense changes on protein structure and function are either unavailable or do not agree on the potential impact of this missense change (SIFT: "Deleterious"; PolyPhen-2: "Probably Damaging"; Align-GVGD: "Class C0"). In summary, the available evidence is currently insufficient to determine the role of this variant in disease. Therefore, it has been classified as a Variant of Uncertain Significance.